The following is an entry in ClinVar:

NM_182914.3(SYNE2):c.17140C>T (p.Arg5714Cys)

Gene: SYNE2 (spectrin repeat containing nuclear envelope protein 2; plus strand). Cytogenetic location: 14q23.2.
Variant type: single nucleotide variant.
Coding change: c.17140C>T on transcript NM_182914.3 (MANE Select); coding-DNA position 17140, C replaced by T.
Protein change: p.Arg5714Cys; replaces arginine 5714 with cysteine.
Molecular consequence: missense variant.
Genome position (GRCh38, 1-based): chr14:64,170,367, C>T. VCF-style: chr14-64170367-C-T. GRCh37 (hg19) VCF-style: chr14-64637085-C-T.
Other names: c.17140C>T, p.Arg5714Cys (NM_015180.6); short protein forms R5714C.
Identifiers: ClinVar variation 1430176 (VCV001430176.8), dbSNP rs375246083, ClinGen allele CA7223602.
Genomic context (GRCh38, chr14:64,170,367, plus strand): 5'-GACGTTGATGGGCTGGTGAGGCAGTGGCAAGATTTCACTACTTCTGTGGAGAACTTGTTT[C>T]GCTTCCTCACTGACACCAGCCACCTGCTATCTGCAGTGAAGGGCCAGGAGCGCTTCAGCC-3'
Protein context (NP_878918.2, residues 5704-5724): DFTTSVENLF[Arg5714Cys]FLTDTSHLLS

ClinVar aggregate classification (germline): Uncertain significance (1 of 4 stars; one submission).

Conditions:
Emery-Dreifuss muscular dystrophy 5, autosomal dominant (EDMD5). Also called: EMERY-DREIFUSS MUSCULAR DYSTROPHY 5. Identifiers: Orphanet 261, MedGen C2751805, MONDO:0013072, OMIM 612999.

Allele frequency attached by ClinVar (database versions not stated): ExAC 0.00001; gnomAD exomes 0.00003; TOPMed 0.00003; gnomAD 0.00004; ESP Exome Variant Server 0.00008.
gnomAD v4.1: 26 of 1,614,010 alleles (0.0016%); highest among the groups gnomAD compares: Admixed American, 0.015%; no homozygotes.

Submission:

Labcorp Genetics (formerly Invitae), Labcorp
Classification: Uncertain significance for Emery-Dreifuss muscular dystrophy 5, autosomal dominant. Last evaluated: 2025-08-18. Review status: criteria provided, single submitter. Criteria: Invitae Variant Classification Sherloc (09022015). Collection method: clinical testing. Allele origin: germline.
Comment: This sequence change replaces arginine, which is basic and polar, with cysteine, which is neutral and slightly polar, at codon 5714 of the SYNE2 protein (p.Arg5714Cys). This variant is present in population databases (rs375246083, gnomAD 0.02%). This variant has not been reported in the literature in individuals affected with SYNE2-related conditions. ClinVar contains an entry for this variant (Variation ID: 1430176). An algorithm developed to predict the effect of missense changes on protein structure and function (PolyPhen-2) suggests that this variant is likely to be disruptive. In summary, the available evidence is currently insufficient to determine the role of this variant in disease. Therefore, it has been classified as a Variant of Uncertain Significance.